The following is an entry in ClinVar:

ClinVar aggregate classification (germline): Uncertain significance (1 of 4 stars; one submission).

gnomAD v4.1: 1 of 1,614,104 alleles (0.000062%); no homozygotes.

Submission:

Ambry Genetics
Classification: Uncertain significance. Last evaluated: 2024-01-31. Review status: criteria provided, single submitter. Criteria: Ambry Variant Classification Scheme 2023. Collection method: clinical testing. Allele origin: germline.
Comment: The p.I119M variant (also known as c.357T>G), located in coding exon 3 of the KIF1B gene, results from a T to G substitution at nucleotide position 357. The isoleucine at codon 119 is replaced by methionine, an amino acid with highly similar properties. This amino acid position is conserved. In addition, this alteration is predicted to be deleterious by in silico analysis. Based on the available evidence, the clinical significance of this alteration remains unclear.

NM_001365951.3(KIF1B):c.357T>G (p.Ile119Met)

Gene: KIF1B (kinesin family member 1B; plus strand). Cytogenetic location: 1p36.22.
Variant type: single nucleotide variant.
Coding change: c.357T>G on transcript NM_001365951.3 (MANE Select); coding-DNA position 357, T replaced by G.
Protein change: p.Ile119Met; replaces isoleucine 119 with methionine.
Molecular consequence: missense variant.
Genome position (GRCh38, 1-based): chr1:10,258,666, T>G. VCF-style: chr1-10258666-T-G. GRCh37 (hg19) VCF-style: chr1-10318724-T-G.
Other names: c.357T>G, p.Ile119Met (NM_001365952.1, NM_001365953.1, NM_015074.3 and 1 more transcripts); short protein forms I119M.
Identifiers: ClinVar variation 3226468 (VCV003226468.1), dbSNP rs772901712, ClinGen allele CA338325769.